The following is an entry in ClinVar:

NM_013314.4(BLNK):c.902+2T>C

Genes: BLNK (B cell linker; minus strand), ZNF518A (zinc finger protein 518A; plus strand). Cytogenetic location: 10q24.1.
Variant type: single nucleotide variant.
Coding change: c.902+2T>C on transcript NM_013314.4 (MANE Select); the canonical splice donor site of the intron after coding-DNA position 902, T replaced by C.
Molecular consequence: splice donor variant. On other transcripts: non-coding transcript variant (1).
Genome position (GRCh38, 1-based): chr10:96,204,530, A>G on the plus strand (T>C on the coding strand, the complement: BLNK is on the minus strand). VCF-style: chr10-96204530-A-G. GRCh37 (hg19) VCF-style: chr10-97964286-A-G.
Other names: c.587+2T>C (NM_001258442.2); c.833+2T>C (NM_001258441.2, NM_001114094.2); c.902+2T>C (NM_001258440.2).
Identifiers: ClinVar variation 3768783 (VCV003768783.2).

ClinVar aggregate classification (germline): Likely pathogenic. Review status: criteria provided, multiple submitters, no conflicts (2 of 4 stars). 2 submissions from 2 submitters: Likely pathogenic (2). Last evaluated 2025-10-21.

Conditions:
Agammaglobulinemia 4, autosomal recessive (AGM4). Also called: B cell linker protein deficiency; AGAMMAGLOBULINEMIA, AUTOSOMAL RECESSIVE, DUE TO BLNK DEFECT. Identifiers: MedGen C3150752, MONDO:0013289, OMIM 613502.

gnomAD v4.1: 1 of 1,613,908 alleles (0.000062%); highest among the groups gnomAD compares: Admixed American, 0.0017%; no homozygotes.

Submissions (2):

Labcorp Genetics (formerly Invitae), Labcorp
Classification: Likely pathogenic for Agammaglobulinemia 4, autosomal recessive. Last evaluated: 2025-10-21. Review status: criteria provided, single submitter. Criteria: Invitae Variant Classification Sherloc (09022015). Collection method: clinical testing. Allele origin: germline.
Comment: This sequence change affects a donor splice site in intron 12 of the BLNK gene. It is expected to disrupt RNA splicing. Variants that disrupt the donor or acceptor splice site typically lead to a loss of protein function (PMID: 16199547), and loss-of-function variants in BLNK are known to be pathogenic (PMID: 10583958, 24582315). This variant is present in population databases (no rsID available, gnomAD 0.003%). This variant has not been reported in the literature in individuals affected with BLNK-related conditions. ClinVar contains an entry for this variant (Variation ID: 3768783). Algorithms developed to predict the effect of sequence changes on RNA splicing suggest that this variant may disrupt the consensus splice site. In summary, the currently available evidence indicates that the variant is pathogenic, but additional data are needed to prove that conclusively. Therefore, this variant has been classified as Likely Pathogenic.

Women's Health and Genetics/Laboratory Corporation of America, LabCorp
Classification: Likely pathogenic for Agammaglobulinemia 4, autosomal recessive. Last evaluated: 2025-02-04. Review status: criteria provided, single submitter. Criteria: LabCorp Variant Classification Summary - May 2015. Collection method: clinical testing. Allele origin: germline.
Comment: Variant summary: BLNK c.902+2T>C is located in a canonical splice-site and is predicted to affect mRNA splicing resulting in a significantly altered protein due to either exon skipping, shortening, or inclusion of intronic material. Variants that disrupt the consensus splice site are a relatively common cause of aberrant splicing and loss of BLNK function. Several computational tools predict a significant impact on normal splicing: Four predict the variant abolishes a canonical 5' splicing donor site. However, these predictions have yet to be confirmed by functional studies. The variant allele was found at a frequency of 4e-06 in 251464 control chromosomes. To our knowledge, no occurrence of c.902+2T>C in individuals affected with Agammaglobulinemia 4, Autosomal Recessive and no experimental evidence demonstrating its impact on protein function have been reported. No submitters have cited clinical-significance assessments for this variant to ClinVar. Based on the evidence outlined above, the variant was classified as likely pathogenic.

Literature cited by the submitters: PubMed 16199547 (cited by Labcorp Genetics (formerly Invitae), Labcorp); PubMed 10583958 (cited by Labcorp Genetics (formerly Invitae), Labcorp); PubMed 24582315 (cited by Labcorp Genetics (formerly Invitae), Labcorp).